The following is an entry in ClinVar:

ClinVar aggregate classification (germline): Uncertain significance. Review status: criteria provided, multiple submitters, no conflicts (2 of 4 stars). 2 submissions from 2 submitters: Uncertain significance (2). Last evaluated 2021-05-12.

Conditions:
Hyper-IgE recurrent infection syndrome 3, autosomal recessive. Also called: HYPER-IgE SYNDROME 3, AUTOSOMAL RECESSIVE, WITH RECURRENT INFECTIONS; Autosomal recessive hyper-IgE syndrome due to ZNF341 deficiency. Identifiers: Orphanet 641368, MedGen C4748969, MONDO:0032654, OMIM 618282.

Allele frequency attached by ClinVar (database versions not stated): gnomAD exomes below 0.00001; gnomAD 0.00001; TOPMed 0.00001.
gnomAD v4.1: 3 of 1,614,084 alleles (0.00019%); highest among the groups gnomAD compares: Non-Finnish European, 0.00025%; no homozygotes.

Submissions (2):

Blueprint Genetics
Classification: Uncertain significance. Last evaluated: 2021-05-12. Review status: criteria provided, single submitter. Criteria: ACMG Guidelines, 2015. Collection method: clinical testing. Allele origin: germline.

Labcorp Genetics (formerly Invitae), Labcorp
Classification: Uncertain significance for Combined immunodeficiency due to DOCK8 deficiency. Last evaluated: 2020-09-01. Review status: criteria provided, single submitter. Criteria: Invitae Variant Classification Sherloc (09022015). Collection method: clinical testing. Allele origin: germline.
Comment: In summary, the available evidence is currently insufficient to determine the role of this variant in disease. Therefore, it has been classified as a Variant of Uncertain Significance. Algorithms developed to predict the effect of missense changes on protein structure and function (SIFT, PolyPhen-2, Align-GVGD) all suggest that this variant is likely to be disruptive, but these predictions have not been confirmed by published functional studies and their clinical significance is uncertain. This variant has not been reported in the literature in individuals with DOCK8-related conditions. This variant is not present in population databases (ExAC no frequency). This sequence change replaces serine with cysteine at codon 1474 of the DOCK8 protein (p.Ser1474Cys). The serine residue is highly conserved and there is a moderate physicochemical difference between serine and cysteine.

NM_203447.4(DOCK8):c.4420A>T (p.Ser1474Cys)

Gene: DOCK8 (dedicator of cytokinesis 8; plus strand). Cytogenetic location: 9p24.3.
Variant type: single nucleotide variant.
Coding change: c.4420A>T on transcript NM_203447.4 (MANE Select); coding-DNA position 4420, A replaced by T.
Protein change: p.Ser1474Cys; replaces serine 1474 with cysteine.
Molecular consequence: missense variant.
Genome position (GRCh38, 1-based): chr9:428,443, A>T. VCF-style: chr9-428443-A-T. GRCh37 (hg19) VCF-style: chr9-428443-A-T.
Other names: c.4120A>T, p.Ser1374Cys (NM_001190458.2); c.4216A>T, p.Ser1406Cys (NM_001193536.2); short protein forms S1374C, S1406C, S1474C.
Identifiers: ClinVar variation 1057934 (VCV001057934.8), dbSNP rs1166248716, ClinGen allele CA372766096.
Genomic context (GRCh38, chr9:428,443, plus strand): 5'-AAAGACAGCCTGCTGGGAGGTGTTCTGAGGGTGCTGGTGAATTCTCTGAACTGTGATCAG[A>T]GTACCACCTACCTGACTCACTGCTTTGCAACACTCCGTGCTCTCATCGCCAAGGTAAACT-3'
Protein context (NP_982272.2, residues 1464-1484): VLVNSLNCDQ[Ser1474Cys]TTYLTHCFAT